The following is an entry in ClinVar:

ClinVar aggregate classification (germline): Uncertain significance (1 of 4 stars; one submission).

Allele frequency attached by ClinVar (database versions not stated): gnomAD exomes 0.00001; ExAC 0.00002.
gnomAD v4.1: 15 of 1,614,240 alleles (0.00093%); highest among the groups gnomAD compares: South Asian, 0.015%; no homozygotes.

Submission:

Ambry Genetics
Classification: Uncertain significance. Last evaluated: 2022-05-12. Review status: criteria provided, single submitter. Criteria: Ambry Variant Classification Scheme 2023. Collection method: clinical testing. Allele origin: germline.
Comment: The p.I194M variant (also known as c.582C>G), located in coding exon 7 of the RAD54L gene, results from a C to G substitution at nucleotide position 582. The isoleucine at codon 194 is replaced by methionine, an amino acid with highly similar properties. This amino acid position is conserved. In addition, this alteration is predicted to be deleterious by in silico analysis. Since supporting evidence is limited at this time, the clinical significance of this alteration remains unclear.

NM_003579.4(RAD54L):c.582C>G (p.Ile194Met)

Gene: RAD54L (RAD54 like; plus strand). Cytogenetic location: 1p34.1.
Variant type: single nucleotide variant.
Coding change: c.582C>G on transcript NM_003579.4 (MANE Select); coding-DNA position 582, C replaced by G.
Protein change: p.Ile194Met; replaces isoleucine 194 with methionine.
Molecular consequence: missense variant.
Genome position (GRCh38, 1-based): chr1:46,260,831, C>G. VCF-style: chr1-46260831-C-G. GRCh37 (hg19) VCF-style: chr1-46726503-C-G.
Other names: c.582C>G, p.Ile194Met (NM_001142548.2); c.42C>G, p.Ile14Met (NM_001370766.1); short protein forms I194M, I14M.
Identifiers: ClinVar variation 1749937 (VCV001749937.2), dbSNP rs778251154, ClinGen allele CA834305.
Genomic context (GRCh38, chr1:46,260,831, plus strand): 5'-TGGCAGCCATGGCTGCATCATGGCTGATGAGATGGGCCTAGGAAAGACGCTGCAGTGCAT[C>G]ACATTGATGTGGACACTTTTACGCCAGAGTCCAGAGTGCAAGCCAGAAATTGACAAGGCA-3'
Protein context (NP_003570.2, residues 184-204): EMGLGKTLQC[Ile194Met]TLMWTLLRQS